The following is an entry in ClinVar:

ClinVar aggregate classification (germline): Uncertain significance. Review status: criteria provided, multiple submitters, no conflicts (2 of 4 stars). 3 submissions from 3 submitters: Uncertain significance (3). Last evaluated 2025-01-16.

Conditions:
Autosomal recessive ataxia, Beauce type. Also called: ATAXIA, RECESSIVE, OF BEAUCE; Spinocerebellar ataxia, autosomal recessive 8; SYNE1 Deficiency; SYNE1-Related Autosomal Recessive Cerebellar Ataxia. Identifiers: Orphanet 88644, MedGen C1853116, MONDO:0012549, OMIM 610743.
Emery-Dreifuss muscular dystrophy 4, autosomal dominant (EDMD4). Also called: EMERY-DREIFUSS MUSCULAR DYSTROPHY 4 WITH VARIABLE FEATURES. Identifiers: Orphanet 261, MedGen C2751807, MONDO:0013071, OMIM 612998.

Allele frequency attached by ClinVar (database versions not stated): gnomAD 0.00001; TOPMed 0.00001; ExAC 0.00002; gnomAD exomes 0.00002 and 0.00003.
gnomAD v4.1: 47 of 1,613,914 alleles (0.0029%); highest among the groups gnomAD compares: Non-Finnish European, 0.0035%; no homozygotes.

Submissions (3):

Labcorp Genetics (formerly Invitae), Labcorp
Classification: Uncertain significance for Emery-Dreifuss muscular dystrophy 4, autosomal dominant; Autosomal recessive ataxia, Beauce type. Last evaluated: 2025-01-16. Review status: criteria provided, single submitter. Criteria: Invitae Variant Classification Sherloc (09022015). Collection method: clinical testing. Allele origin: germline.
Comment: This sequence change replaces glutamic acid, which is acidic and polar, with lysine, which is basic and polar, at codon 7427 of the SYNE1 protein (p.Glu7427Lys). This variant is present in population databases (rs762050668, gnomAD 0.005%). This variant has not been reported in the literature in individuals affected with SYNE1-related conditions. ClinVar contains an entry for this variant (Variation ID: 581988). An algorithm developed to predict the effect of missense changes on protein structure and function (PolyPhen-2) suggests that this variant is likely to be disruptive. In summary, the available evidence is currently insufficient to determine the role of this variant in disease. Therefore, it has been classified as a Variant of Uncertain Significance.

Athena Diagnostics
Classification: Uncertain significance. Last evaluated: 2023-07-01. Review status: criteria provided, single submitter. Criteria: Athena Diagnostics Criteria. Collection method: clinical testing. Allele origin: unknown.
Comment: Available data are insufficient to determine the clinical significance of the variant at this time. The frequency of this variant in the general population is uninformative in assessment of its pathogenicity. Computational tools disagree on the variant's effect on normal protein function.

Blueprint Genetics
Classification: Uncertain significance. Last evaluated: 2022-01-07. Review status: criteria provided, single submitter. Criteria: ACMG Guidelines, 2015. Collection method: clinical testing. Allele origin: germline.

Literature cited by the submitters: PubMed 34275688 (cited by Athena Diagnostics).

NM_182961.4(SYNE1):c.22492G>A (p.Glu7498Lys)

Gene: SYNE1 (spectrin repeat containing nuclear envelope protein 1; minus strand). Cytogenetic location: 6q25.2.
Variant type: single nucleotide variant.
Coding change: c.22492G>A on transcript NM_182961.4 (MANE Select); coding-DNA position 22492, G replaced by A.
Protein change: p.Glu7498Lys; replaces glutamic acid 7498 with lysine.
Molecular consequence: missense variant.
Genome position (GRCh38, 1-based): chr6:152,213,614, C>T on the plus strand (G>A on the coding strand, the complement: SYNE1 is on the minus strand). VCF-style: chr6-152213614-C-T. GRCh37 (hg19) VCF-style: chr6-152534749-C-T.
Other names: c.22279G>A, p.Glu7427Lys (NM_033071.5); short protein forms E7427K, E7498K.
Identifiers: ClinVar variation 581988 (VCV000581988.12), dbSNP rs762050668, ClinGen allele CA4053880.